The following is an entry in ClinVar:

NM_001372.4(DNAH9):c.2312G>A (p.Arg771His)

Gene: DNAH9 (dynein axonemal heavy chain 9; plus strand). Cytogenetic location: 17p12.
Variant type: single nucleotide variant.
Coding change: c.2312G>A on transcript NM_001372.4 (MANE Select); coding-DNA position 2312, G replaced by A.
Protein change: p.Arg771His; replaces arginine 771 with histidine.
Molecular consequence: missense variant.
Genome position (GRCh38, 1-based): chr17:11,651,283, G>A. VCF-style: chr17-11651283-G-A. GRCh37 (hg19) VCF-style: chr17-11554600-G-A.
Other names: short protein forms R771H.
Identifiers: ClinVar variation 3629396 (VCV003629396.1).

ClinVar aggregate classification (germline): Uncertain significance (1 of 4 stars; one submission).

gnomAD v4.1: 34 of 1,613,618 alleles (0.0021%); highest among the groups gnomAD compares: African/African-American, 0.0027%; no homozygotes.

Submission:

Labcorp Genetics (formerly Invitae), Labcorp
Classification: Uncertain significance. Last evaluated: 2024-10-18. Review status: criteria provided, single submitter. Criteria: Invitae Variant Classification Sherloc (09022015). Collection method: clinical testing. Allele origin: germline.
Comment: This sequence change replaces arginine, which is basic and polar, with histidine, which is basic and polar, at codon 771 of the DNAH9 protein (p.Arg771His). This variant is present in population databases (rs747495456, gnomAD 0.005%). This variant has not been reported in the literature in individuals affected with DNAH9-related conditions. Invitae Evidence Modeling of protein sequence and biophysical properties (such as structural, functional, and spatial information, amino acid conservation, physicochemical variation, residue mobility, and thermodynamic stability) indicates that this missense variant is expected to disrupt DNAH9 protein function with a positive predictive value of 80%. In summary, the available evidence is currently insufficient to determine the role of this variant in disease. Therefore, it has been classified as a Variant of Uncertain Significance.